The following is an entry in ClinVar:

ClinVar aggregate classification (germline): Uncertain significance (1 of 4 stars; one submission).

Conditions:
Retinitis pigmentosa 12 (RP12). Also called: RP WITH OR WITHOUT PPRPE; RP WITH OR WITHOUT PRESERVED PARAARTERIOLE RETINAL PIGMENT EPITHELIUM; RETINITIS PIGMENTOSA WITH OR WITHOUT PARAARTERIOLAR PRESERVATION OF RETINAL PIGMENT EPITHELIUM. Identifiers: Orphanet 791, MedGen C1838647, MONDO:0010818, OMIM 600105.
Leber congenital amaurosis 8 (LCA8). Identifiers: Orphanet 65, MedGen C3151202, MONDO:0013453, OMIM 613835.

Submission:

Labcorp Genetics (formerly Invitae), Labcorp
Classification: Uncertain significance for Leber congenital amaurosis 8; Retinitis pigmentosa 12. Last evaluated: 2022-07-06. Review status: criteria provided, single submitter. Criteria: Invitae Variant Classification Sherloc (09022015). Collection method: clinical testing. Allele origin: germline.
Comment: In summary, the available evidence is currently insufficient to determine the role of this variant in disease. Therefore, it has been classified as a Variant of Uncertain Significance. Advanced modeling of protein sequence and biophysical properties (such as structural, functional, and spatial information, amino acid conservation, physicochemical variation, residue mobility, and thermodynamic stability) performed at Invitae indicates that this missense variant is not expected to disrupt CRB1 protein function. ClinVar contains an entry for this variant (Variation ID: 849050). This variant has not been reported in the literature in individuals affected with CRB1-related conditions. This variant is not present in population databases (gnomAD no frequency). This sequence change replaces arginine, which is basic and polar, with proline, which is neutral and non-polar, at codon 769 of the CRB1 protein (p.Arg769Pro).

NM_201253.3(CRB1):c.2306G>C (p.Arg769Pro)

Gene: CRB1 (crumbs cell polarity complex component 1; plus strand). Cytogenetic location: 1q31.3.
Variant type: single nucleotide variant.
Coding change: c.2306G>C on transcript NM_201253.3 (MANE Select); coding-DNA position 2306, G replaced by C.
Protein change: p.Arg769Pro; replaces arginine 769 with proline.
Molecular consequence: missense variant. On other transcripts: non-coding transcript variant (2), intron variant (1).
Genome position (GRCh38, 1-based): chr1:197,427,631, G>C. VCF-style: chr1-197427631-G-C. GRCh37 (hg19) VCF-style: chr1-197396761-G-C.
Other names: c.1970G>C, p.Arg657Pro (NM_001193640.2); c.2099G>C, p.Arg700Pro (NM_001257965.2); c.2128+5675G>C (NM_001257966.2); short protein forms R769P, R700P, R657P.
Identifiers: ClinVar variation 849050 (VCV000849050.9), dbSNP rs62636287, ClinGen allele CA344036941.